The following is an entry in ClinVar:

NM_000211.5(ITGB2):c.13C>A (p.Arg5Ser)

Gene: ITGB2 (integrin subunit beta 2; minus strand). Cytogenetic location: 21q22.3.
Variant type: single nucleotide variant.
Coding change: c.13C>A on transcript NM_000211.5 (MANE Select); coding-DNA position 13, C replaced by A.
Protein change: p.Arg5Ser; replaces arginine 5 with serine.
Molecular consequence: missense variant. On other transcripts: 5 prime UTR variant (1).
Genome position (GRCh38, 1-based): chr21:44,910,770, G>T on the plus strand (C>A on the coding strand, the complement: ITGB2 is on the minus strand). VCF-style: chr21-44910770-G-T. GRCh37 (hg19) VCF-style: chr21-46330685-G-T.
Other names: c.13C>A, p.Arg5Ser (NM_001127491.3); c.-238C>A (NM_001303238.2); c.13C>A (NM_000211.3); short protein forms R5S.
Identifiers: ClinVar variation 1448388 (VCV001448388.5), dbSNP rs61737078, ClinGen allele CA10063496.

ClinVar aggregate classification (germline): Uncertain significance. Review status: criteria provided, multiple submitters, no conflicts (2 of 4 stars). 2 submissions from 2 submitters: Uncertain significance (2). Last evaluated 2024-10-28.

Conditions:
Leukocyte adhesion deficiency 1 (LAD1). Also called: LEUKOCYTE ADHESION DEFICIENCY, TYPE I; LAD 1; Lymphocyte function-associated antigen 1 immunodeficiency; LFA 1 immunodeficiency. Identifiers: Orphanet 2968, Orphanet 99842, MedGen C0398738, MONDO:0007293, OMIM 116920.
Inborn genetic diseases. Identifiers: MedGen C0950123, MeSH D030342.

Allele frequency attached by ClinVar (database versions not stated): 1000 Genomes Project 30x 0.00016.
gnomAD v4.1: 84 of 1,613,516 alleles (0.0052%); highest among the groups gnomAD compares: Middle Eastern, 0.066%; no homozygotes.

Submissions (2):

Labcorp Genetics (formerly Invitae), Labcorp
Classification: Uncertain significance for Leukocyte adhesion deficiency 1. Last evaluated: 2024-10-28. Review status: criteria provided, single submitter. Criteria: Invitae Variant Classification Sherloc (09022015). Collection method: clinical testing. Allele origin: germline.
Comment: This sequence change replaces arginine, which is basic and polar, with serine, which is neutral and polar, at codon 5 of the ITGB2 protein (p.Arg5Ser). This variant is present in population databases (rs61737078, gnomAD 0.008%). This variant has not been reported in the literature in individuals affected with ITGB2-related conditions. ClinVar contains an entry for this variant (Variation ID: 1448388). An algorithm developed to predict the effect of missense changes on protein structure and function outputs the following: PolyPhen-2: "Not Available". The serine amino acid residue is found in multiple mammalian species, which suggests that this missense change does not adversely affect protein function. In summary, the available evidence is currently insufficient to determine the role of this variant in disease. Therefore, it has been classified as a Variant of Uncertain Significance.

Ambry Genetics
Classification: Uncertain significance for Inborn genetic diseases. Last evaluated: 2022-03-16. Review status: criteria provided, single submitter. Criteria: Ambry Variant Classification Scheme 2023. Collection method: clinical testing. Allele origin: germline.